The following is an entry in ClinVar:

NM_002519.3(NPAT):c.565G>A (p.Ala189Thr)

Gene: NPAT (nuclear protein, coactivator of histone transcription; minus strand). Cytogenetic location: 11q22.3.
Variant type: single nucleotide variant.
Coding change: c.565G>A on transcript NM_002519.3 (MANE Select); coding-DNA position 565, G replaced by A.
Protein change: p.Ala189Thr; replaces alanine 189 with threonine.
Molecular consequence: missense variant.
Genome position (GRCh38, 1-based): chr11:108,188,171, C>T on the plus strand (G>A on the coding strand, the complement: NPAT is on the minus strand). VCF-style: chr11-108188171-C-T. GRCh37 (hg19) VCF-style: chr11-108058898-C-T.
Other names: c.565G>A, p.Ala189Thr (NM_001321307.1); short protein forms A189T.
Identifiers: ClinVar variation 3692417 (VCV003692417.2).
Genomic context (GRCh38, chr11:108,188,171, plus strand): 5'-CGGGAGACATTAAACTGGCATGTGCTTTCTTTTCCTGAGCACCAGGAATGACATTTAAAG[C>T]TTCTCCAGCTGTATTTCAAGAAAACATAACAGTAAGCCAAAGAAACTGAATAGTTTTCTA-3'
Protein context (NP_002510.2, residues 179-199): QSQDTVTTGE[Ala189Thr]LNVIPGAQEK

ClinVar aggregate classification (germline): Uncertain significance (1 of 4 stars; one submission).

Submission:

Labcorp Genetics (formerly Invitae), Labcorp
Classification: Uncertain significance. Last evaluated: 2024-10-16. Review status: criteria provided, single submitter. Criteria: Invitae Variant Classification Sherloc (09022015). Collection method: clinical testing. Allele origin: germline.
Comment: This sequence change replaces alanine, which is neutral and non-polar, with threonine, which is neutral and polar, at codon 189 of the NPAT protein (p.Ala189Thr). This variant is not present in population databases (gnomAD no frequency). This variant has not been reported in the literature in individuals affected with NPAT-related conditions. An algorithm developed to predict the effect of missense changes on protein structure and function outputs the following: PolyPhen-2: "Benign". The threonine amino acid residue is found in multiple mammalian species, which suggests that this missense change does not adversely affect protein function. In summary, the available evidence is currently insufficient to determine the role of this variant in disease. Therefore, it has been classified as a Variant of Uncertain Significance.